The following is an entry in ClinVar:

NM_002860.4(ALDH18A1):c.-28-13A>G

Gene: ALDH18A1 (aldehyde dehydrogenase 18 family member A1; minus strand). Cytogenetic location: 10q24.1.
Variant type: single nucleotide variant.
Coding change: c.-28-13A>G on transcript NM_002860.4 (MANE Select); 13 bases into the intron before 28 bases upstream of the start codon, A replaced by G.
Molecular consequence: intron variant.
Genome position (GRCh38, 1-based): chr10:95,653,418, T>C on the plus strand (A>G on the coding strand, the complement: ALDH18A1 is on the minus strand). VCF-style: chr10-95653418-T-C. GRCh37 (hg19) VCF-style: chr10-97413175-T-C.
Other names: c.-194-13A>G (NM_001323419.2); c.-146-13A>G (NM_001323412.2, NM_001323418.2, NM_001323416.2); c.-28-13A>G (NM_001323417.2, NM_001017423.2, NM_001323415.2 and 2 more transcripts).
Identifiers: ClinVar variation 5019551 (VCV005019551.2).

ClinVar aggregate classification (germline): Pathogenic (1 of 4 stars; one submission).

Conditions:
Autosomal recessive complex spastic paraplegia type 9B. Also called: Spastic paraplegia 9b, autosomal recessive. Identifiers: Orphanet 447760, MedGen C5568980, MONDO:0014702, OMIM 616586.

gnomAD v4.1: 4 of 1,602,650 alleles (0.00025%); highest among the groups gnomAD compares: East Asian, 0.0067%; no homozygotes.

Submission:

Juno Genomics, Hangzhou Juno Genomics, Inc
Classification: Pathogenic for Autosomal recessive complex spastic paraplegia type 9B. Review status: criteria provided, single submitter. Criteria: ACMG Guidelines, 2015. Collection method: clinical testing. Allele origin: germline.
Comment: Absent from controls (or at extremely low frequency if recessive) in Genome Aggregation Database.;Null variant in a gene where loss of function (LOF) is a known mechanism of disease.;Co-segregation with disease in multiple affected family members.